The following is an entry in ClinVar:

ClinVar aggregate classification (germline): Uncertain significance (1 of 4 stars; one submission).

Conditions:
Charcot-Marie-Tooth disease dominant intermediate B (CMTDIB). Also called: CHARCOT-MARIE-TOOTH NEUROPATHY, DOMINANT INTERMEDIATE B; Charcot-Marie-Tooth disease dominant intermediate 1; CMT DI1; Charcot-Marie-Tooth disease dominant intermediate I. Identifiers: Orphanet 100044, Orphanet 228179, MedGen C1847902, MONDO:0011674, OMIM 606482.

Submission:

Labcorp Genetics (formerly Invitae), Labcorp
Classification: Uncertain significance for Charcot-Marie-Tooth disease dominant intermediate B. Last evaluated: 2024-02-22. Review status: criteria provided, single submitter. Criteria: Invitae Variant Classification Sherloc (09022015). Collection method: clinical testing. Allele origin: germline.
Comment: This sequence change replaces isoleucine, which is neutral and non-polar, with valine, which is neutral and non-polar, at codon 365 of the DNM2 protein (p.Ile365Val). This variant is not present in population databases (gnomAD no frequency). This variant has not been reported in the literature in individuals affected with DNM2-related conditions. Advanced modeling of protein sequence and biophysical properties (such as structural, functional, and spatial information, amino acid conservation, physicochemical variation, residue mobility, and thermodynamic stability) has been performed at Invitae for this missense variant, however the output from this modeling did not meet the statistical confidence thresholds required to predict the impact of this variant on DNM2 protein function. In summary, the available evidence is currently insufficient to determine the role of this variant in disease. Therefore, it has been classified as a Variant of Uncertain Significance.

NM_001005361.3(DNM2):c.1093A>G (p.Ile365Val)

Gene: DNM2 (dynamin 2; plus strand). Cytogenetic location: 19p13.2.
Variant type: single nucleotide variant.
Coding change: c.1093A>G on transcript NM_001005361.3 (MANE Select); coding-DNA position 1093, A replaced by G.
Protein change: p.Ile365Val; replaces isoleucine 365 with valine.
Molecular consequence: missense variant.
Genome position (GRCh38, 1-based): chr19:10,793,820, A>G. VCF-style: chr19-10793820-A-G. GRCh37 (hg19) VCF-style: chr19-10904496-A-G.
Other names: c.1093A>G, p.Ile365Val (NM_001005360.3, NM_001005362.3, NM_001190716.2 and 1 more transcripts); short protein forms I365V.
Identifiers: ClinVar variation 3023872 (VCV003023872.3), dbSNP rs1483077247, ClinGen allele CA404048020.